The following is an entry in ClinVar:

NM_000138.5(FBN1):c.4293C>A (p.Cys1431Ter)

Genes: FBN1 (fibrillin 1; minus strand), LOC126862124 (CDK7 strongly-dependent group 2 enhancer GRCh37_chr15:48764566-48765765; plus strand). Cytogenetic location: 15q21.1.
Variant type: single nucleotide variant.
Coding change: c.4293C>A on transcript NM_000138.5 (MANE Select); coding-DNA position 4293, C replaced by A.
Protein change: p.Cys1431Ter; replaces cysteine 1431 with a stop codon.
Molecular consequence: nonsense.
Genome position (GRCh38, 1-based): chr15:48,472,594, G>T on the plus strand (C>A on the coding strand, the complement: FBN1 is on the minus strand). VCF-style: chr15-48472594-G-T. GRCh37 (hg19) VCF-style: chr15-48764791-G-T.
Other names: short protein forms C1431*.
Identifiers: ClinVar variation 457201 (VCV000457201.30), dbSNP rs112375043, ClinGen allele CA392317689.
Genomic context (GRCh38, chr15:48,472,594, plus strand): 5'-GCTTCCCCATCAGTTACCTTCACAGGCTTTCCCGTCAGCACTGGGCACGAAGCCCATGTC[G>T]CATTCACAGCGGTATCCTCCTGGTGCATTGAGGCACTGGCCATTGCCACAGAGATTCAGG-3'

ClinVar aggregate classification (germline): Pathogenic. Review status: criteria provided, multiple submitters, no conflicts (2 of 4 stars). 5 submissions from 5 submitters: Pathogenic (4). 1 of the submissions does not count toward it. Last evaluated 2026-01-16.

Conditions:
Marfan syndrome (MFS). Also called: MARFAN SYNDROME, TYPE I; FBN1-Related Marfan Syndrome; Marfan syndrome type 1; Marfan's syndrome; Marfan syndrome, classic. Identifiers: Orphanet 284963, Orphanet 558, MedGen C0024796, MONDO:0007947, OMIM 154700.
Familial thoracic aortic aneurysm and aortic dissection (TAAD). Also called: Thoracic aortic aneurysms and dissections. Identifiers: Orphanet 91387, MedGen C4707243, MONDO:0019625.

Submissions (5):

Labcorp Genetics (formerly Invitae), Labcorp
Classification: Pathogenic for Marfan syndrome; Familial thoracic aortic aneurysm and aortic dissection. Last evaluated: 2026-01-16. Review status: criteria provided, single submitter. Criteria: Invitae Variant Classification Sherloc (09022015). Collection method: clinical testing. Allele origin: germline.
Comment: This sequence change creates a premature translational stop signal (p.Cys1431*) in the FBN1 gene. It is expected to result in an absent or disrupted protein product. Loss-of-function variants in FBN1 are known to be pathogenic (PMID: 17657824, 19293843). This variant is not present in population databases (gnomAD no frequency). This variant has not been reported in the literature in individuals affected with FBN1-related conditions. ClinVar contains an entry for this variant (Variation ID: 457201). For these reasons, this variant has been classified as Pathogenic.

Centre of Medical Genetics, University of Antwerp
Classification: Pathogenic for Marfan syndrome. Last evaluated: 2021-03-01. Review status: criteria provided, single submitter. Criteria: Submitter's publication. Collection method: research. Allele origin: unknown. Affected: yes.
Comment: PM2, PVS1, PP4

Ambry Genetics
Classification: Pathogenic for Familial thoracic aortic aneurysm and aortic dissection. Last evaluated: 2020-09-29. Review status: criteria provided, single submitter. Criteria: Ambry Variant Classification Scheme 2023. Collection method: clinical testing. Allele origin: germline.
Comment: The p.C1431* pathogenic mutation (also known as c.4293C>A), located in coding exon 34 of the FBN1 gene, results from a C to A substitution at nucleotide position 4293. This changes the amino acid from a cysteine to a stop codon within coding exon 34. This alteration is expected to result in loss of function by premature protein truncation or nonsense-mediated mRNA decay. As such, this alteration is interpreted as a disease-causing mutation.

CHEO Genetics Diagnostic Laboratory, Children's Hospital of Eastern Ontario
Classification: Pathogenic for Familial thoracic aortic aneurysm and aortic dissection. Last evaluated: 2018-04-13. Review status: criteria provided, single submitter. Criteria: ACMG Guidelines, 2015. Collection method: clinical testing. Allele origin: germline.

Center for Medical Genetics Ghent, University of Ghent
Classification: Pathogenic for Marfan syndrome. Last evaluated: 2017-11-07. Review status: no assertion criteria provided. Collection method: clinical testing. Allele origin: germline. Affected: yes. Not counted in ClinVar's aggregate classification.

Literature cited by the submitters: PubMed 17657824 (cited by Labcorp Genetics (formerly Invitae), Labcorp); PubMed 19293843 (cited by Labcorp Genetics (formerly Invitae), Labcorp).